The following is an entry in ClinVar:

NM_018979.4(WNK1):c.266A>G (p.Asn89Ser)

Gene: WNK1 (WNK lysine deficient protein kinase 1; plus strand). Cytogenetic location: 12p13.33.
Variant type: single nucleotide variant.
Coding change: c.266A>G on transcript NM_018979.4 (MANE Select); coding-DNA position 266, A replaced by G.
Protein change: p.Asn89Ser; replaces asparagine 89 with serine.
Molecular consequence: missense variant.
Genome position (GRCh38, 1-based): chr12:753,831, A>G. VCF-style: chr12-753831-A-G. GRCh37 (hg19) VCF-style: chr12-862997-A-G.
Other names: c.266A>G, p.Asn89Ser (NM_001184985.2, NM_014823.3, NM_213655.5); short protein forms N89S.
Identifiers: ClinVar variation 310540 (VCV000310540.10), dbSNP rs886049866, ClinGen allele CA10642472.

ClinVar aggregate classification (germline): Uncertain significance. Review status: criteria provided, multiple submitters, no conflicts (2 of 4 stars). 2 submissions from 2 submitters: Uncertain significance (2). Last evaluated 2024-07-16.

Conditions:
Neuropathy, hereditary sensory and autonomic, type 2A (HSAN2A). Also called: ACROOSTEOLYSIS, GIACCAI TYPE; ACROOSTEOLYSIS, NEUROGENIC; MORVAN DISEASE; NEUROPATHY, CONGENITAL SENSORY; NEUROPATHY, HEREDITARY SENSORY RADICULAR, AUTOSOMAL RECESSIVE; NEUROPATHY, HEREDITARY SENSORY, TYPE IIA. Identifiers: Orphanet 970, MedGen C2752089, MONDO:0024309, OMIM 201300.
Pseudohypoaldosteronism type 2C (PHA2C). Also called: Pseudohypoaldosteronism Type IIC. Identifiers: Orphanet 757, Orphanet 88940, MedGen C1840391, MONDO:0013778, OMIM 614492.

Allele frequency attached by ClinVar (database versions not stated): gnomAD 0.00001; gnomAD exomes 0.00001 and below 0.00001; TOPMed 0.00001.
gnomAD v4.1: 15 of 1,612,584 alleles (0.00093%); highest among the groups gnomAD compares: East Asian, 0.0045%; no homozygotes.

Submissions (2):

Labcorp Genetics (formerly Invitae), Labcorp
Classification: Uncertain significance for Neuropathy, hereditary sensory and autonomic, type 2A; Pseudohypoaldosteronism type 2C. Last evaluated: 2024-07-16. Review status: criteria provided, single submitter. Criteria: Invitae Variant Classification Sherloc (09022015). Collection method: clinical testing. Allele origin: germline.
Comment: This sequence change replaces asparagine, which is neutral and polar, with serine, which is neutral and polar, at codon 89 of the WNK1 protein (p.Asn89Ser). This variant is present in population databases (no rsID available, gnomAD 0.005%). This variant has not been reported in the literature in individuals affected with WNK1-related conditions. ClinVar contains an entry for this variant (Variation ID: 310540). Advanced modeling of protein sequence and biophysical properties (such as structural, functional, and spatial information, amino acid conservation, physicochemical variation, residue mobility, and thermodynamic stability) performed at Invitae indicates that this missense variant is not expected to disrupt WNK1 protein function with a negative predictive value of 95%. In summary, the available evidence is currently insufficient to determine the role of this variant in disease. Therefore, it has been classified as a Variant of Uncertain Significance.

Illumina Laboratory Services, Illumina
Classification: Uncertain significance for Pseudohypoaldosteronism type 2C. Last evaluated: 2018-01-13. Review status: criteria provided, single submitter. Criteria: ICSL Variant Classification Criteria 13 December 2019. Collection method: clinical testing. Allele origin: germline.